The following is an entry in ClinVar:

NM_000426.4(LAMA2):c.113-14T>A

Gene: LAMA2 (laminin subunit alpha 2; plus strand). Cytogenetic location: 6q22.33.
Variant type: single nucleotide variant.
Coding change: c.113-14T>A on transcript NM_000426.4 (MANE Select); 14 bases into the intron before coding-DNA position 113, T replaced by A.
Molecular consequence: intron variant.
Genome position (GRCh38, 1-based): chr6:129,049,904, T>A. VCF-style: chr6-129049904-T-A. GRCh37 (hg19) VCF-style: chr6-129371049-T-A.
Other names: c.113-14T>A (NM_001079823.2).
Identifiers: ClinVar variation 509014 (VCV000509014.1), dbSNP rs1311979480, ClinGen allele CA570133211.

ClinVar aggregate classification (germline): Likely benign (1 of 4 stars; one submission).

Allele frequency attached by ClinVar (database versions not stated): gnomAD exomes below 0.00001.
gnomAD v4.1: 1 of 1,611,692 alleles (0.000062%); highest among the groups gnomAD compares: South Asian, 0.0011%; no homozygotes.

Submission:

GeneDx
Classification: Likely benign. Last evaluated: 2017-04-13. Review status: criteria provided, single submitter. Criteria: GeneDx Variant Classification (06012015). Collection method: clinical testing. Allele origin: germline. Affected: yes.
Comment: This variant is considered likely benign or benign based on one or more of the following criteria: it is a conservative change, it occurs at a poorly conserved position in the protein, it is predicted to be benign by multiple in silico algorithms, and/or has population frequency not consistent with disease.